The following is an entry in ClinVar:

ClinVar aggregate classification (germline): Uncertain significance (1 of 4 stars; one submission).

Conditions:
SLC35A2-congenital disorder of glycosylation. Also called: CONGENITAL DISORDER OF GLYCOSYLATION, TYPE IIm; CDG IIm; CONGENITAL DISORDER OF GLYCOSYLATION, TYPE IIm, SOMATIC MOSAIC; EPILEPTIC ENCEPHALOPATHY, EARLY INFANTILE, 22; SLC35A2-CDG; DEVELOPMENTAL AND EPILEPTIC ENCEPHALOPATHY 22. Identifiers: Orphanet 356961, MedGen C3806688, MONDO:0010478, OMIM 300896.

Submission:

Labcorp Genetics (formerly Invitae), Labcorp
Classification: Uncertain significance for SLC35A2-congenital disorder of glycosylation. Last evaluated: 2024-10-22. Review status: criteria provided, single submitter. Criteria: Invitae Variant Classification Sherloc (09022015). Collection method: clinical testing. Allele origin: germline.
Comment: This sequence change replaces proline, which is neutral and non-polar, with serine, which is neutral and polar, at codon 341 of the SLC35A2 protein (p.Pro341Ser). This variant is not present in population databases (gnomAD no frequency). This variant has not been reported in the literature in individuals affected with SLC35A2-related conditions. ClinVar contains an entry for this variant (Variation ID: 2098625). Invitae Evidence Modeling of protein sequence and biophysical properties (such as structural, functional, and spatial information, amino acid conservation, physicochemical variation, residue mobility, and thermodynamic stability) indicates that this missense variant is not expected to disrupt SLC35A2 protein function with a negative predictive value of 80%. In summary, the available evidence is currently insufficient to determine the role of this variant in disease. Therefore, it has been classified as a Variant of Uncertain Significance.

NM_005660.3(SLC35A2):c.1021C>T (p.Pro341Ser)

Gene: SLC35A2 (solute carrier family 35 member A2; minus strand). Cytogenetic location: Xp11.23.
Variant type: single nucleotide variant.
Coding change: c.1021C>T on transcript NM_005660.3 (MANE Select); coding-DNA position 1021, C replaced by T.
Protein change: p.Pro341Ser; replaces proline 341 with serine.
Molecular consequence: missense variant.
Genome position (GRCh38, 1-based): chrX:48,904,888, G>A on the plus strand (C>T on the coding strand, the complement: SLC35A2 is on the minus strand). VCF-style: chrX-48904888-G-A. GRCh37 (hg19) VCF-style: chrX-48762165-G-A.
Other names: c.431C>T, p.Ser144Phe (NM_001032289.3, NM_001282647.2); c.1021C>T, p.Pro341Ser (NM_001042498.3); c.359C>T, p.Ser120Phe (NM_001282648.2); c.838C>T, p.Pro280Ser (NM_001282649.2); c.1060C>T, p.Pro354Ser (NM_001282650.2); c.1105C>T, p.Pro369Ser (NM_001282651.2); short protein forms P341S, P354S, S144F, P369S, S120F, P280S.
Identifiers: ClinVar variation 2098625 (VCV002098625.4), dbSNP rs782526017, ClinGen allele CA412894487.